The following is an entry in ClinVar:

ClinVar aggregate classification (germline): Likely benign. Review status: criteria provided, multiple submitters, no conflicts (2 of 4 stars). 2 submissions from 2 submitters: Likely benign (2). Last evaluated 2025-06-05.

Allele frequency attached by ClinVar (database versions not stated): TOPMed 0.00010; ESP Exome Variant Server 0.00015; 1000 Genomes Project 30x 0.00016; ExAC 0.00017; 1000 Genomes Project 0.00020; gnomAD 0.00021.
gnomAD v4.1: 390 of 1,607,598 alleles (0.024%); highest among the groups gnomAD compares: Non-Finnish European, 0.027%; no homozygotes.

Submissions (2):

Mayo Clinic Laboratories, Mayo Clinic
Classification: Likely benign. Last evaluated: 2025-06-05. Review status: criteria provided, single submitter. Criteria: ACMG Guidelines, 2015. Collection method: clinical testing. Allele origin: germline. Observed: 1 variant allele.
Comment: BP4, BP7

Labcorp Genetics (formerly Invitae), Labcorp
Classification: Likely benign. Last evaluated: 2024-12-31. Review status: criteria provided, single submitter. Criteria: Invitae Variant Classification Sherloc (09022015). Collection method: clinical testing. Allele origin: germline.

NM_022916.6(VPS33A):c.600+10G>A

Gene: VPS33A (VPS33A core subunit of CORVET and HOPS complexes; minus strand). Cytogenetic location: 12q24.31.
Variant type: single nucleotide variant.
Coding change: c.600+10G>A on transcript NM_022916.6 (MANE Select); 10 bases into the intron after coding-DNA position 600, G replaced by A.
Molecular consequence: intron variant.
Genome position (GRCh38, 1-based): chr12:122,250,973, C>T on the plus strand (G>A on the coding strand, the complement: VPS33A is on the minus strand). VCF-style: chr12-122250973-C-T. GRCh37 (hg19) VCF-style: chr12-122735520-C-T.
Other names: p.?; c.600+10G>A (NM_001351020.2); c.567+10G>A (NM_001351018.2); c.552+10G>A (NM_001351019.2).
Identifiers: ClinVar variation 2182044 (VCV002182044.5), dbSNP rs367899255, ClinGen allele CA6844554.
Genomic context (GRCh38, chr12:122,250,973, plus strand): 5'-CTTCCCGTTCCTCCTCCCTTTTGGGGTGTGAAGGGCCCTCCTTTACCACCACAAAGCAGC[C>T]GGTTCTCACCCGAGCGCATTCTCCTTTCCCAAAGATCTGGGGGATCGTTCCATACAGAGC-3'